The following is an entry in ClinVar:

NM_000091.5(COL4A3):c.888+30G>A

Genes: MFF-DT (MFF divergent transcript; minus strand), COL4A3 (collagen type IV alpha 3 chain; plus strand). Cytogenetic location: 2q36.3.
Variant type: single nucleotide variant.
Coding change: c.888+30G>A on transcript NM_000091.5 (MANE Select); 30 bases into the intron after coding-DNA position 888, G replaced by A.
Molecular consequence: intron variant.
Genome position (GRCh38, 1-based): chr2:227,254,745, G>A. VCF-style: chr2-227254745-G-A. GRCh37 (hg19) VCF-style: chr2-228119461-G-A.
Identifiers: ClinVar variation 682614 (VCV000682614.6), dbSNP rs35467545, ClinGen allele CA2146410.

ClinVar aggregate classification (germline): Benign. Review status: criteria provided, multiple submitters, no conflicts (2 of 4 stars). 4 submissions from 4 submitters: Benign (4). Last evaluated 2024-07-15.

Conditions:
Autosomal recessive Alport syndrome (ATS2). Also called: COL4A3-Related Nephropathy; Alport syndrome type 2; COL4A4 Alport Syndrome and Thin Basement Membrane Nephropathy; ALPORT SYNDROME 2, AUTOSOMAL RECESSIVE. Identifiers: Orphanet 63, Orphanet 88919, MedGen C4746745, MONDO:0008762, OMIM 203780.

Allele frequency attached by ClinVar (database versions not stated): ESP Exome Variant Server 0.06740; gnomAD 0.07260 and 0.07616; TOPMed 0.08406; gnomAD exomes 0.08434 and 0.09710; ExAC 0.09388; 1000 Genomes Project 30x 0.10072; 1000 Genomes Project 0.10224.
gnomAD v4.1: 128,686 of 1,533,476 alleles (8.4%); highest among the groups gnomAD compares: Admixed American, 17%; 6,046 homozygotes.

Submissions (4):

Unidad de Genómica Garrahan, Hospital de Pediatría Garrahan
Classification: Benign. Last evaluated: 2024-07-15. Review status: criteria provided, single submitter. Criteria: ACMG Guidelines, 2015. Collection method: clinical testing. Allele origin: germline. Affected: no. Observed: 26 variant alleles.
Comment: This variant is classified as Benign based on local population frequency. This variant was detected in 28% of patients studied in a panel designed for Epileptic and Developmental Encephalopathy and Progressive Myoclonus Epilepsy. Number of patients: 26. Only high quality variants are reported.

Genome-Nilou Lab
Classification: Benign for Autosomal recessive Alport syndrome. Last evaluated: 2021-06-10. Review status: criteria provided, single submitter. Criteria: ACMG Guidelines, 2015. Collection method: clinical testing. Allele origin: germline. Affected: no.

GeneDx
Classification: Benign. Last evaluated: 2018-06-14. Review status: criteria provided, single submitter. Criteria: GeneDx Variant Classification (06012015). Collection method: clinical testing. Allele origin: germline. Affected: yes.
Comment: This variant is considered likely benign or benign based on one or more of the following criteria: it is a conservative change, it occurs at a poorly conserved position in the protein, it is predicted to be benign by multiple in silico algorithms, and/or has population frequency not consistent with disease.

Breakthrough Genomics
Classification: Benign. Review status: criteria provided, single submitter. Criteria: ACMG Guidelines, 2015. Collection method: not provided. Allele origin: germline. Inheritance: Autosomal recessive inheritance. Affected: yes.